The following is an entry in ClinVar:

NM_000263.4(NAGLU):c.259G>C (p.Ala87Pro)

Genes: NAGLU (N-acetyl-alpha-glucosaminidase; plus strand), LOC130060903 (ATAC-STARR-seq lymphoblastoid silent region 8533; plus strand). Cytogenetic location: 17q21.2.
Variant type: single nucleotide variant.
Coding change: c.259G>C on transcript NM_000263.4 (MANE Select); coding-DNA position 259, G replaced by C.
Protein change: p.Ala87Pro; replaces alanine 87 with proline.
Molecular consequence: missense variant.
Genome position (GRCh38, 1-based): chr17:42,536,531, G>C. VCF-style: chr17-42536531-G-C. GRCh37 (hg19) VCF-style: chr17-40688549-G-C.
Other names: short protein forms A87P.
Identifiers: ClinVar variation 3336548 (VCV003336548.1).

ClinVar aggregate classification (germline): Pathogenic (1 of 4 stars; one submission).

Conditions:
Mucopolysaccharidosis, MPS-III-B (MPS3B). Also called: N-ACETYL-ALPHA-D-GLUCOSAMINIDASE DEFICIENCY; NAGLU DEFICIENCY; SANFILIPPO SYNDROME B; MPS III B; MPS IIIB (Sanfilippo Syndrome Type B); MUCOPOLYSACCHARIDOSIS, TYPE IIIB. Identifiers: Orphanet 79270, MedGen C0086648, MONDO:0009656, OMIM 252920.

Submission:

Women's Health and Genetics/Laboratory Corporation of America, LabCorp
Classification: Pathogenic for Mucopolysaccharidosis, MPS-III-B. Last evaluated: 2024-05-30. Review status: criteria provided, single submitter. Criteria: LabCorp Variant Classification Summary - May 2015. Collection method: clinical testing. Allele origin: germline.
Comment: Variant summary: NAGLU c.259G>C (p.Ala87Pro) results in a non-conservative amino acid change located in the Alpha-N-acetylglucosaminidase, N-terminal domain (IPR024240) of the encoded protein sequence. Three of five in-silico tools predict a damaging effect of the variant on protein function. The frequency data for this variant in gnomAD is considered unreliable, as metrics indicate poor data quality at this position. c.259G>C has been reported in the literature in at least one compound heterozygous individual and three unrelated homozygous individuals affected with Mucopolysaccharidosis Type IIIB (Sanfilippo Syndrome B) (example, Pollard_2013, Zabihi_2024). These data indicate that the variant is very likely to be associated with disease. To our knowledge, no experimental evidence demonstrating an impact on protein function has been reported. The following publications have been ascertained in the context of this evaluation (PMID: 22976768, 38425718). No submitters have cited clinical-significance assessments for this variant to ClinVar. Based on the evidence outlined above, the variant was classified as pathogenic.

Literature cited by the submitters: PubMed 22976768; PubMed 38425718.